The following is an entry in ClinVar:

NM_000094.4(COL7A1):c.2714G>T (p.Gly905Val)

Gene: COL7A1 (collagen type VII alpha 1 chain; minus strand). Cytogenetic location: 3p21.31.
Variant type: single nucleotide variant.
Coding change: c.2714G>T on transcript NM_000094.4 (MANE Select); coding-DNA position 2714, G replaced by T.
Protein change: p.Gly905Val; replaces glycine 905 with valine.
Molecular consequence: missense variant.
Genome position (GRCh38, 1-based): chr3:48,587,936, C>A on the plus strand (G>T on the coding strand, the complement: COL7A1 is on the minus strand). VCF-style: chr3-48587936-C-A. GRCh37 (hg19) VCF-style: chr3-48625369-C-A.
Other names: short protein forms G905V.
Identifiers: ClinVar variation 2812885 (VCV002812885.3), dbSNP rs2045394806, ClinGen allele CA352716712.

ClinVar aggregate classification (germline): Uncertain significance (1 of 4 stars; one submission).

Allele frequency attached by ClinVar (database versions not stated): TOPMed below 0.00001.

Submission:

Labcorp Genetics (formerly Invitae), Labcorp
Classification: Uncertain significance. Last evaluated: 2022-11-08. Review status: criteria provided, single submitter. Criteria: Invitae Variant Classification Sherloc (09022015). Collection method: clinical testing. Allele origin: germline.
Comment: In summary, the available evidence is currently insufficient to determine the role of this variant in disease. Therefore, it has been classified as a Variant of Uncertain Significance. Advanced modeling of protein sequence and biophysical properties (such as structural, functional, and spatial information, amino acid conservation, physicochemical variation, residue mobility, and thermodynamic stability) performed at Invitae indicates that this missense variant is not expected to disrupt COL7A1 protein function. This variant has not been reported in the literature in individuals affected with COL7A1-related conditions. This variant is not present in population databases (gnomAD no frequency). This sequence change replaces glycine, which is neutral and non-polar, with valine, which is neutral and non-polar, at codon 905 of the COL7A1 protein (p.Gly905Val).